The following is an entry in ClinVar:

ClinVar aggregate classification (germline): Likely pathogenic (1 of 4 stars; one submission).

Conditions:
HSPG2-related disorder. Also called: HSPG2-related condition; HSPG2-related disorders.

Submission:

PreventionGenetics, part of Exact Sciences
Classification: Likely pathogenic for HSPG2-related condition. Last evaluated: 2026-07-07. Review status: criteria provided, single submitter. Criteria: ACMG Guidelines, 2015. Collection method: clinical testing. Allele origin: germline.
Comment: The HSPG2 c.7273G>T variant is predicted to result in premature protein termination (p.Glu2425*). To our knowledge, this variant has not been reported in the literature or in a large population database (gnomAD), indicating this variant is rare. Nonsense variants in HSPG2 are expected to be pathogenic. This variant is interpreted as likely pathogenic.

NM_005529.7(HSPG2):c.7273G>T (p.Glu2425Ter)

Gene: HSPG2 (heparan sulfate proteoglycan 2; minus strand). Cytogenetic location: 1p36.12.
Variant type: single nucleotide variant.
Coding change: c.7273G>T on transcript NM_005529.7 (MANE Select); coding-DNA position 7273, G replaced by T.
Protein change: p.Glu2425Ter; replaces glutamic acid 2425 with a stop codon.
Molecular consequence: nonsense.
Genome position (GRCh38, 1-based): chr1:21,850,384, C>A on the plus strand (G>T on the coding strand, the complement: HSPG2 is on the minus strand). VCF-style: chr1-21850384-C-A. GRCh37 (hg19) VCF-style: chr1-22176877-C-A.
Other names: c.7276G>T, p.Glu2426Ter (NM_001291860.2); short protein forms E2426*, E2425*.
Identifiers: ClinVar variation 4992242 (VCV004992242.1).